The following is an entry in ClinVar:

ClinVar aggregate classification (germline): Likely benign. Review status: criteria provided, multiple submitters, no conflicts (2 of 4 stars). 2 submissions from 2 submitters: Likely benign (2). Last evaluated 2025-11-10.

Allele frequency attached by ClinVar (database versions not stated): ExAC below 0.00001; gnomAD exomes 0.00002; gnomAD 0.00003; TOPMed 0.00003.
gnomAD v4.1: 26 of 1,161,984 alleles (0.0022%); highest among the groups gnomAD compares: Non-Finnish European, 0.0029%; no homozygotes.

Submissions (2):

Labcorp Genetics (formerly Invitae), Labcorp
Classification: Likely benign. Last evaluated: 2025-11-10. Review status: criteria provided, single submitter. Criteria: Invitae Variant Classification Sherloc (09022015). Collection method: clinical testing. Allele origin: germline.

GeneDx
Classification: Likely benign. Last evaluated: 2016-10-05. Review status: criteria provided, single submitter. Criteria: GeneDx Variant Classification (06012015). Collection method: clinical testing. Allele origin: germline. Affected: yes.
Comment: This variant is considered likely benign or benign based on one or more of the following criteria: it is a conservative change, it occurs at a poorly conserved position in the protein, it is predicted to be benign by multiple in silico algorithms, and/or has population frequency not consistent with disease.

NM_001098511.3(KIF2A):c.1119+17T>C

Gene: KIF2A (kinesin family member 2A; plus strand). Cytogenetic location: 5q12.1.
Variant type: single nucleotide variant.
Coding change: c.1119+17T>C on transcript NM_001098511.3 (MANE Select); 17 bases into the intron after coding-DNA position 1119, T replaced by C.
Molecular consequence: intron variant.
Genome position (GRCh38, 1-based): chr5:62,362,558, T>C. VCF-style: chr5-62362558-T-C. GRCh37 (hg19) VCF-style: chr5-61658385-T-C.
Other names: c.1038+17T>C (NM_001243952.2); c.1119+17T>C (NM_004520.5); c.1062+17T>C (NM_001243953.2).
Identifiers: ClinVar variation 389696 (VCV000389696.5), dbSNP rs754362401, ClinGen allele CA3278926.